The following is an entry in ClinVar:

ClinVar aggregate classification (germline): Uncertain significance (1 of 4 stars; one submission).

Conditions:
Primary ciliary dyskinesia. Also called: Ciliary dyskinesia. Identifiers: Orphanet 244, MedGen C0008780, MONDO:0016575, HP:0012265.

Allele frequency attached by ClinVar (database versions not stated): ExAC 0.00001; gnomAD exomes 0.00001.

Submission:

Labcorp Genetics (formerly Invitae), Labcorp
Classification: Uncertain significance for Primary ciliary dyskinesia. Last evaluated: 2022-08-23. Review status: criteria provided, single submitter. Criteria: Invitae Variant Classification Sherloc (09022015). Collection method: clinical testing. Allele origin: germline.
Comment: This sequence change replaces glycine, which is neutral and non-polar, with aspartic acid, which is acidic and polar, at codon 614 of the DNAAF2 protein (p.Gly614Asp). In summary, the available evidence is currently insufficient to determine the role of this variant in disease. Therefore, it has been classified as a Variant of Uncertain Significance. Algorithms developed to predict the effect of missense changes on protein structure and function are either unavailable or do not agree on the potential impact of this missense change (SIFT: "Deleterious"; PolyPhen-2: "Probably Damaging"; Align-GVGD: "Class C0"). ClinVar contains an entry for this variant (Variation ID: 1414447). This variant has not been reported in the literature in individuals affected with DNAAF2-related conditions. This variant is not present in population databases (gnomAD no frequency).

NM_018139.3(DNAAF2):c.1841G>A (p.Gly614Asp)

Gene: DNAAF2 (dynein axonemal assembly factor 2; minus strand). Cytogenetic location: 14q21.3.
Variant type: single nucleotide variant.
Coding change: c.1841G>A on transcript NM_018139.3 (MANE Select); coding-DNA position 1841, G replaced by A.
Protein change: p.Gly614Asp; replaces glycine 614 with aspartic acid.
Molecular consequence: missense variant. On other transcripts: intron variant (1).
Genome position (GRCh38, 1-based): chr14:49,633,309, C>T on the plus strand (G>A on the coding strand, the complement: DNAAF2 is on the minus strand). VCF-style: chr14-49633309-C-T. GRCh37 (hg19) VCF-style: chr14-50100027-C-T.
Other names: c.1841G>A, p.Gly614Asp (NM_001083908.2); c.-205+174G>A (NM_001378453.1); short protein forms G614D.
Identifiers: ClinVar variation 1414447 (VCV001414447.7), dbSNP rs752092329, ClinGen allele CA7172819.